The following is an entry in ClinVar:

ClinVar aggregate classification (germline): Uncertain significance (1 of 4 stars; one submission).

Conditions:
Hereditary spastic paraplegia 39 (SPG39). Also called: Spastic Paraplegia Type 39 (SPG39); SPASTIC PARAPLEGIA 39, AUTOSOMAL RECESSIVE. Identifiers: Orphanet 139480, MedGen C2677586, MONDO:0012787, OMIM 612020.

Submission:

Labcorp Genetics (formerly Invitae), Labcorp
Classification: Uncertain significance for Hereditary spastic paraplegia 39. Last evaluated: 2023-08-10. Review status: criteria provided, single submitter. Criteria: Invitae Variant Classification Sherloc (09022015). Collection method: clinical testing. Allele origin: germline.
Comment: This sequence change replaces serine, which is neutral and polar, with cysteine, which is neutral and slightly polar, at codon 83 of the PNPLA6 protein (p.Ser83Cys). This variant is not present in population databases (gnomAD no frequency). This variant has not been reported in the literature in individuals affected with PNPLA6-related conditions. ClinVar contains an entry for this variant (Variation ID: 2199497). Advanced modeling of protein sequence and biophysical properties (such as structural, functional, and spatial information, amino acid conservation, physicochemical variation, residue mobility, and thermodynamic stability) has been performed at Invitae for this missense variant, however the output from this modeling did not meet the statistical confidence thresholds required to predict the impact of this variant on PNPLA6 protein function. In summary, the available evidence is currently insufficient to determine the role of this variant in disease. Therefore, it has been classified as a Variant of Uncertain Significance.

NM_001166114.2(PNPLA6):c.365C>G (p.Ser122Cys)

Gene: PNPLA6 (patatin like domain 6, lysophospholipase; plus strand). Cytogenetic location: 19p13.2.
Variant type: single nucleotide variant.
Coding change: c.365C>G on transcript NM_001166114.2 (MANE Select); coding-DNA position 365, C replaced by G.
Protein change: p.Ser122Cys; replaces serine 122 with cysteine.
Molecular consequence: missense variant.
Genome position (GRCh38, 1-based): chr19:7,536,498, C>G. VCF-style: chr19-7536498-C-G. GRCh37 (hg19) VCF-style: chr19-7601384-C-G.
Other names: c.392C>G, p.Ser131Cys (NM_001166111.2); c.248C>G, p.Ser83Cys (NM_001166112.2, NM_001166113.1, NM_006702.5); short protein forms S83C, S131C, S122C.
Identifiers: ClinVar variation 2199497 (VCV002199497.4), dbSNP rs2512488513, ClinGen allele CA403098905.